The following is an entry in ClinVar:

NM_006659.4(TUBGCP2):c.1116G>A (p.Ala372=)

Gene: TUBGCP2 (tubulin gamma complex component 2; minus strand). Cytogenetic location: 10q26.3.
Variant type: single nucleotide variant.
Coding change: c.1116G>A on transcript NM_006659.4 (MANE Select); coding-DNA position 1116, G replaced by A.
Protein change: p.Ala372=; no amino-acid change (alanine 372 retained).
Molecular consequence: synonymous variant. On other transcripts: non-coding transcript variant (1).
Genome position (GRCh38, 1-based): chr10:133,292,597, C>T on the plus strand (G>A on the coding strand, the complement: TUBGCP2 is on the minus strand). VCF-style: chr10-133292597-C-T. GRCh37 (hg19) VCF-style: chr10-135106101-C-T.
Other names: c.1200G>A, p.Ala400= (NM_001256617.2); c.726G>A, p.Ala242= (NM_001256618.2).
Identifiers: ClinVar variation 5038926 (VCV005038926.1).

ClinVar aggregate classification (germline): Likely benign (1 of 4 stars; one submission).

gnomAD v4.1: 71 of 1,614,184 alleles (0.0044%); highest among the groups gnomAD compares: Admixed American, 0.053%; no homozygotes.

Submission:

CeGaT Center for Human Genetics Tuebingen
Classification: Likely benign. Last evaluated: 2026-07-01. Review status: criteria provided, single submitter. Criteria: CeGaT Center For Human Genetics Tuebingen Variant Classification Criteria Version 2. Collection method: clinical testing. Allele origin: germline. Affected: yes. Observed: 1 variant allele.
Comment: TUBGCP2: BP4, BP7